The following is an entry in ClinVar:

ClinVar aggregate classification (germline): Uncertain significance (1 of 4 stars; one submission).

Conditions:
Hereditary cancer-predisposing syndrome. Also called: Neoplastic Syndromes, Hereditary; Tumor predisposition; Hereditary Cancer Syndrome; Hereditary neoplastic syndrome. Identifiers: Orphanet 140162, MedGen C0027672, MeSH D009386, MONDO:0015356.

Submission:

Ambry Genetics
Classification: Uncertain significance for Hereditary cancer-predisposing syndrome. Last evaluated: 2026-03-28. Review status: criteria provided, single submitter. Criteria: Ambry Variant Classification Scheme 2023. Collection method: clinical testing. Allele origin: germline.
Comment: The p.I2805T variant (also known as c.8414T>C), located in coding exon 15 of the APC gene, results from a T to C substitution at nucleotide position 8414. The isoleucine at codon 2805 is replaced by threonine, an amino acid with similar properties. This amino acid position is conserved. In addition, in silico predictors for this gene do not accurately predict pathogenicity. Based on the available evidence, the clinical significance of this variant remains unclear.

NM_000038.6(APC):c.8414T>C (p.Ile2805Thr)

Gene: APC (APC regulator of Wnt signaling pathway; plus strand). Cytogenetic location: 5q22.2.
Variant type: single nucleotide variant.
Coding change: c.8414T>C on transcript NM_000038.6 (MANE Select); coding-DNA position 8414, T replaced by C.
Protein change: p.Ile2805Thr; replaces isoleucine 2805 with threonine.
Molecular consequence: missense variant. On other transcripts: non-coding transcript variant (2).
Genome position (GRCh38, 1-based): chr5:112,844,008, T>C. VCF-style: chr5-112844008-T-C. GRCh37 (hg19) VCF-style: chr5-112179705-T-C.
Other names: c.8414T>C, p.Ile2805Thr (NM_001127510.3, NM_001354895.2, NM_001407450.1); c.8360T>C, p.Ile2787Thr (NM_001127511.3); c.8468T>C, p.Ile2823Thr (NM_001354896.2, NM_001407447.1, NM_001407448.1 and 1 more transcripts); c.8444T>C, p.Ile2815Thr (NM_001354897.2); c.8339T>C, p.Ile2780Thr (NM_001354898.2); c.8330T>C, p.Ile2777Thr (NM_001354899.2); c.8291T>C, p.Ile2764Thr (NM_001354900.2); c.8237T>C, p.Ile2746Thr (NM_001354901.2, NM_001407453.1); and 11 more; short protein forms I2421T, I2522T, I2645T, I2676T, I2679T, I2704T, I2714T, I2722T.
Identifiers: ClinVar variation 4860951 (VCV004860951.1).
Genomic context (GRCh38, chr5:112,844,008, plus strand): 5'-ATTACAACCCAAGCCCTAGGAAAAGCAGCGCAGATAGCACTTCAGCTCGGCCATCTCAGA[T>C]CCCAACTCCAGTGAATAACAACACAAAGAAGCGAGATTCCAAAACTGACAGCACAGAATC-3'
Protein context (NP_000029.2, residues 2795-2815): ADSTSARPSQ[Ile2805Thr]PTPVNNNTKK